The following is an entry in ClinVar:

ClinVar aggregate classification (germline): Uncertain significance (1 of 4 stars; one submission).

Submission:

GeneDx
Classification: Uncertain significance. Last evaluated: 2025-01-06. Review status: criteria provided, single submitter. Criteria: GeneDx Variant Classification Process June 2021. Collection method: clinical testing. Allele origin: germline. Affected: yes.
Comment: Not observed at significant frequency in large population cohorts (gnomAD); In silico analysis indicates that this missense variant does not alter protein structure/function; Has not been previously published as pathogenic or benign to our knowledge

NM_001282531.3(ADNP):c.1384A>G (p.Ser462Gly)

Gene: ADNP (activity dependent neuroprotector homeobox; minus strand). Cytogenetic location: 20q13.13.
Variant type: single nucleotide variant.
Coding change: c.1384A>G on transcript NM_001282531.3 (MANE Select); coding-DNA position 1384, A replaced by G.
Protein change: p.Ser462Gly; replaces serine 462 with glycine.
Molecular consequence: missense variant.
Genome position (GRCh38, 1-based): chr20:50,893,330, T>C on the plus strand (A>G on the coding strand, the complement: ADNP is on the minus strand). VCF-style: chr20-50893330-T-C. GRCh37 (hg19) VCF-style: chr20-49509867-T-C.
Other names: c.1384A>G, p.Ser462Gly (NM_001282532.2, NM_001347511.2, NM_015339.5 and 1 more transcripts); short protein forms S462G.
Identifiers: ClinVar variation 4056976 (VCV004056976.1).
Genomic context (GRCh38, chr20:50,893,330, plus strand): 5'-TAATGTAGTTGGCTACTGCTGGGACTTTCTCAGCTTTATGTTCTTTTTCGAAGTGCACAC[T>C]ATAGACATTTTCAGGAAAAAGCTCATTACAGATTGTACATATTTTCCACTTTTGAGTTGA-3'
Protein context (NP_001269460.1, residues 452-472): CNELFPENVY[Ser462Gly]VHFEKEHKAE